The following is an entry in ClinVar:

ClinVar aggregate classification (germline): Uncertain significance. Review status: criteria provided, multiple submitters, no conflicts (2 of 4 stars). 2 submissions from 2 submitters: Uncertain significance (2). Last evaluated 2024-12-01.

Allele frequency attached by ClinVar (database versions not stated): TOPMed below 0.00001.

Submissions (2):

CeGaT Center for Human Genetics Tuebingen
Classification: Uncertain significance. Last evaluated: 2024-12-01. Review status: criteria provided, single submitter. Criteria: CeGaT Center For Human Genetics Tuebingen Variant Classification Criteria Version 2. Collection method: clinical testing. Allele origin: germline. Affected: yes. Observed: 1 variant allele.
Comment: STAT4: PM2

Labcorp Genetics (formerly Invitae), Labcorp
Classification: Uncertain significance. Last evaluated: 2022-11-01. Review status: criteria provided, single submitter. Criteria: Invitae Variant Classification Sherloc (09022015). Collection method: clinical testing. Allele origin: germline.
Comment: In summary, the available evidence is currently insufficient to determine the role of this variant in disease. Therefore, it has been classified as a Variant of Uncertain Significance. Advanced modeling of protein sequence and biophysical properties (such as structural, functional, and spatial information, amino acid conservation, physicochemical variation, residue mobility, and thermodynamic stability) has been performed at Invitae for this missense variant, however the output from this modeling did not meet the statistical confidence thresholds required to predict the impact of this variant on STAT4 protein function. This variant has not been reported in the literature in individuals affected with STAT4-related conditions. This variant is not present in population databases (gnomAD no frequency). This sequence change replaces glutamine, which is neutral and polar, with lysine, which is basic and polar, at codon 243 of the STAT4 protein (p.Gln243Lys).

NM_003151.4(STAT4):c.727C>A (p.Gln243Lys)

Gene: STAT4 (signal transducer and activator of transcription 4; minus strand). Cytogenetic location: 2q32.2.
Variant type: single nucleotide variant.
Coding change: c.727C>A on transcript NM_003151.4 (MANE Select); coding-DNA position 727, C replaced by A.
Protein change: p.Gln243Lys; replaces glutamine 243 with lysine.
Molecular consequence: missense variant.
Genome position (GRCh38, 1-based): chr2:191,064,862, G>T on the plus strand (C>A on the coding strand, the complement: STAT4 is on the minus strand). VCF-style: chr2-191064862-G-T. GRCh37 (hg19) VCF-style: chr2-191929588-G-T.
Other names: c.727C>A, p.Gln243Lys (NM_001243835.2); short protein forms Q243K.
Identifiers: ClinVar variation 2975189 (VCV002975189.16), dbSNP rs1696944830, ClinGen allele CA349917034.